The following is an entry in ClinVar:

NM_001267550.2(TTN):c.73255G>C (p.Ala24419Pro)

Genes: TTN (titin; minus strand), TTN-AS1 (TTN antisense RNA 1; plus strand). Cytogenetic location: 2q31.2.
Variant type: single nucleotide variant.
Coding change: c.73255G>C on transcript NM_001267550.2 (MANE Select); coding-DNA position 73255, G replaced by C.
Protein change: p.Ala24419Pro; replaces alanine 24419 with proline.
Molecular consequence: missense variant.
Genome position (GRCh38, 1-based): chr2:178,572,877, C>G on the plus strand (G>C on the coding strand, the complement: TTN is on the minus strand). VCF-style: chr2-178572877-C-G. GRCh37 (hg19) VCF-style: chr2-179437604-C-G.
Other names: c.68332G>C, p.Ala22778Pro (NM_001256850.1); c.46060G>C, p.Ala15354Pro (NM_003319.4); c.65551G>C, p.Ala21851Pro (NM_133378.4); c.46435G>C, p.Ala15479Pro (NM_133432.3); c.46636G>C, p.Ala15546Pro (NM_133437.4); short protein forms A15479P, A21851P, A22778P, A15354P, A24419P, A15546P.
Identifiers: ClinVar variation 4990202 (VCV004990202.1).

ClinVar aggregate classification (germline): Uncertain significance (1 of 4 stars; one submission).

Conditions:
TTN-related disorder. Also called: TTN-related disorders; TTN-related condition; TTN-related disease.

gnomAD v4.1: 6 of 1,613,406 alleles (0.00037%); highest among the groups gnomAD compares: East Asian, 0.0022%; no homozygotes.

Submission:

PreventionGenetics, part of Exact Sciences
Classification: Uncertain significance for TTN-related condition. Last evaluated: 2025-12-22. Review status: criteria provided, single submitter. Criteria: ACMG Guidelines, 2015. Collection method: clinical testing. Allele origin: germline.
Comment: The TTN c.73255G>C variant is predicted to result in the amino acid substitution p.Ala24419Pro. To our knowledge, this variant has not been reported in the literature. This variant is reported in 0.0065% of alleles in individuals of European (Non-Finnish) descent in gnomAD. At this time, the clinical significance of this variant is uncertain due to the absence of conclusive functional and genetic evidence.